The following is an entry in ClinVar:

NM_014014.5(SNRNP200):c.392T>C (p.Ile131Thr)

Gene: SNRNP200 (small nuclear ribonucleoprotein U5 subunit 200; minus strand). Cytogenetic location: 2q11.2.
Variant type: single nucleotide variant.
Coding change: c.392T>C on transcript NM_014014.5 (MANE Select); coding-DNA position 392, T replaced by C.
Protein change: p.Ile131Thr; replaces isoleucine 131 with threonine.
Molecular consequence: missense variant.
Genome position (GRCh38, 1-based): chr2:96,301,706, A>G on the plus strand (T>C on the coding strand, the complement: SNRNP200 is on the minus strand). VCF-style: chr2-96301706-A-G. GRCh37 (hg19) VCF-style: chr2-96967444-A-G.
Other names: short protein forms I131T.
Identifiers: ClinVar variation 1477001 (VCV001477001.8), dbSNP rs2104363235, ClinGen allele CA347688261.

ClinVar aggregate classification (germline): Uncertain significance (1 of 4 stars; one submission).

Submission:

Labcorp Genetics (formerly Invitae), Labcorp
Classification: Uncertain significance. Last evaluated: 2022-02-24. Review status: criteria provided, single submitter. Criteria: Invitae Variant Classification Sherloc (09022015). Collection method: clinical testing. Allele origin: germline.
Comment: This sequence change replaces isoleucine, which is neutral and non-polar, with threonine, which is neutral and polar, at codon 131 of the SNRNP200 protein (p.Ile131Thr). In summary, the available evidence is currently insufficient to determine the role of this variant in disease. Therefore, it has been classified as a Variant of Uncertain Significance. Algorithms developed to predict the effect of missense changes on protein structure and function are either unavailable or do not agree on the potential impact of this missense change (SIFT: "Deleterious"; PolyPhen-2: "Benign"; Align-GVGD: "Class C0"). This variant has not been reported in the literature in individuals affected with SNRNP200-related conditions. This variant is not present in population databases (gnomAD no frequency).